The following is an entry in ClinVar:

NM_024570.4(RNASEH2B):c.741+6A>G

Gene: RNASEH2B (ribonuclease H2 subunit B; plus strand). Cytogenetic location: 13q14.3.
Variant type: single nucleotide variant.
Coding change: c.741+6A>G on transcript NM_024570.4 (MANE Select); 6 bases into the intron after coding-DNA position 741, A replaced by G.
Molecular consequence: intron variant.
Genome position (GRCh38, 1-based): chr13:50,949,511, A>G. VCF-style: chr13-50949511-A-G. GRCh37 (hg19) VCF-style: chr13-51523647-A-G.
Other names: c.741+6A>G (NM_001142279.2).
Identifiers: ClinVar variation 2024826 (VCV002024826.4), dbSNP rs2541535101, ClinGen allele CA2580087631.

ClinVar aggregate classification (germline): Uncertain significance (1 of 4 stars; one submission).

Conditions:
Aicardi-Goutieres syndrome 2. Identifiers: Orphanet 51, MedGen C3489724, MONDO:0012429, OMIM 610181.

Allele frequency attached by ClinVar (database versions not stated): gnomAD exomes below 0.00001.
gnomAD v4.1: 1 of 1,612,304 alleles (0.000062%); highest among the groups gnomAD compares: Non-Finnish European, 0.000085%; no homozygotes.

Submission:

Labcorp Genetics (formerly Invitae), Labcorp
Classification: Uncertain significance for Aicardi-Goutieres syndrome 2. Last evaluated: 2022-08-19. Review status: criteria provided, single submitter. Criteria: Invitae Variant Classification Sherloc (09022015). Collection method: clinical testing. Allele origin: germline.
Comment: This sequence change falls in intron 9 of the RNASEH2B gene. It does not directly change the encoded amino acid sequence of the RNASEH2B protein. It affects a nucleotide within the consensus splice site. This variant is not present in population databases (gnomAD no frequency). This variant has not been reported in the literature in individuals affected with RNASEH2B-related conditions. Variants that disrupt the consensus splice site are a relatively common cause of aberrant splicing (PMID: 17576681, 9536098). Algorithms developed to predict the effect of sequence changes on RNA splicing suggest that this variant is not likely to affect RNA splicing. In summary, the available evidence is currently insufficient to determine the role of this variant in disease. Therefore, it has been classified as a Variant of Uncertain Significance.

Literature cited by the submitters: PubMed 17576681; PubMed 9536098.